The following is an entry in ClinVar:

NM_002778.4(PSAP):c.1137G>C (p.Glu379Asp)

Gene: PSAP (prosaposin; minus strand). Cytogenetic location: 10q22.1.
Variant type: single nucleotide variant.
Coding change: c.1137G>C on transcript NM_002778.4 (MANE Select); coding-DNA position 1137, G replaced by C.
Protein change: p.Glu379Asp; replaces glutamic acid 379 with aspartic acid.
Molecular consequence: missense variant.
Genome position (GRCh38, 1-based): chr10:71,819,769, C>G on the plus strand (G>C on the coding strand, the complement: PSAP is on the minus strand). VCF-style: chr10-71819769-C-G. GRCh37 (hg19) VCF-style: chr10-73579526-C-G.
Other names: p.Glu379Asp; c.1137G>C (NM_002778.2); c.1146G>C, p.Glu382Asp (NM_001042465.3); c.1143G>C, p.Glu381Asp (NM_001042466.3); short protein forms E379D, E381D, E382D.
Identifiers: ClinVar variation 991966 (VCV000991966.10), dbSNP rs754680319, ClinGen allele CA5547474.

ClinVar aggregate classification (germline): Conflicting classifications of pathogenicity. Review status: criteria provided, conflicting classifications (1 of 4 stars). 5 submissions from 5 submitters: Uncertain significance (3); Benign (1). 1 of the submissions does not count toward it. Last evaluated 2025-12-19.

Conditions:
Inborn genetic diseases. Identifiers: MedGen C0950123, MeSH D030342.
Sphingolipid activator protein 1 deficiency. Also called: METACHROMATIC LEUKODYSTROPHY DUE TO CEREBROSIDE SULFATASE ACTIVATOR DEFICIENCY; Metachromatic leukodystrophy due to saposin B deficiency; Saposin B Deficiency. Identifiers: Orphanet 512, MedGen C0268262, MONDO:0009590, OMIM 249900.
Metachromatic leukodystrophy (MLD). Also called: METACHROMATIC LEUKOENCEPHALOPATHY; CEREBROSIDE SULFATASE DEFICIENCY; Cerebral sclerosis diffuse metachromatic form; Arylsulfatase A Deficiency; ARSA DEFICIENCY; SULFATIDE LIPIDOSIS. Identifiers: Orphanet 512, MedGen C0023522, MONDO:0018868, OMIM 250100.

Allele frequency attached by ClinVar (database versions not stated): gnomAD exomes below 0.00001 and 0.00002; ExAC 0.00001; TOPMed 0.00001.

Submissions (5):

Labcorp Genetics (formerly Invitae), Labcorp
Classification: Benign for Sphingolipid activator protein 1 deficiency. Last evaluated: 2025-12-19. Review status: criteria provided, single submitter. Criteria: Invitae Variant Classification Sherloc (09022015). Collection method: clinical testing. Allele origin: germline.

Blueprint Genetics
Classification: Uncertain significance. Last evaluated: 2023-12-15. Review status: criteria provided, single submitter. Criteria: ACMG Guidelines, 2015. Collection method: clinical testing. Allele origin: germline.

Ambry Genetics
Classification: Uncertain significance for Inborn genetic diseases. Last evaluated: 2023-06-29. Review status: criteria provided, single submitter. Criteria: Ambry Variant Classification Scheme 2023. Collection method: clinical testing. Allele origin: germline.

Mayo Clinic Laboratories, Mayo Clinic
Classification: Uncertain significance. Last evaluated: 2023-03-01. Review status: criteria provided, single submitter. Criteria: ACMG Guidelines, 2015. Collection method: clinical testing. Allele origin: germline. Observed: 1 variant allele.
Comment: BP4, PM2

Natera, Inc.
Classification: Uncertain significance for Metachromatic leukodystrophy. Last evaluated: 2020-04-11. Review status: no assertion criteria provided. Collection method: clinical testing. Allele origin: germline. Not counted in ClinVar's aggregate classification.